The following is an entry in ClinVar:

ClinVar aggregate classification (germline): Likely benign (1 of 4 stars; one submission).

Allele frequency attached by ClinVar (database versions not stated): gnomAD exomes below 0.00001; TOPMed below 0.00001; gnomAD 0.00001.
gnomAD v4.1: 2 of 1,209,965 alleles (0.00017%); highest among the groups gnomAD compares: Non-Finnish European, 0.00022%; no homozygotes.

Submission:

GeneDx
Classification: Likely benign. Last evaluated: 2022-01-14. Review status: criteria provided, single submitter. Criteria: GeneDx Variant Classification Process June 2021. Collection method: clinical testing. Allele origin: germline. Affected: yes.
Comment: Not observed at significant frequency in large population cohorts (gnomAD); In silico analysis supports that this missense variant does not alter protein structure/function; In silico analysis suggests this variant may impact gene splicing. In the absence of RNA/functional studies, the actual effect of this sequence change is unknown.; Has not been previously published as pathogenic or benign to our knowledge

NM_020717.5(SHROOM4):c.1442A>G (p.Asp481Gly)

Gene: SHROOM4 (shroom family member 4; minus strand). Cytogenetic location: Xp11.22.
Variant type: single nucleotide variant.
Coding change: c.1442A>G on transcript NM_020717.5 (MANE Select); coding-DNA position 1442, A replaced by G.
Protein change: p.Asp481Gly; replaces aspartic acid 481 with glycine.
Molecular consequence: missense variant. On other transcripts: non-coding transcript variant (4).
Genome position (GRCh38, 1-based): chrX:50,634,631, T>C on the plus strand (A>G on the coding strand, the complement: SHROOM4 is on the minus strand). VCF-style: chrX-50634631-T-C. GRCh37 (hg19) VCF-style: chrX-50377631-T-C.
Other names: short protein forms D481G.
Identifiers: ClinVar variation 1342121 (VCV001342121.2), dbSNP rs1370388970, ClinGen allele CA413121549.